The following is an entry in ClinVar:

ClinVar aggregate classification (germline): Conflicting classifications of pathogenicity. Review status: criteria provided, conflicting classifications (1 of 4 stars). 8 submissions from 4 submitters: Uncertain significance (3); Likely benign (5). Last evaluated 2026-01-27.

Conditions:
Cardiovascular phenotype. Identifiers: MedGen CN230736.
Autosomal recessive limb-girdle muscular dystrophy type 2J (LGMDR10). Also called: Limb-girdle muscular dystrophy, type 2J; MUSCULAR DYSTROPHY, LIMB-GIRDLE, AUTOSOMAL RECESSIVE 10. Identifiers: Orphanet 140922, MedGen C1837342, MONDO:0012127, OMIM 608807.
Dilated cardiomyopathy 1G (CMD1G). Identifiers: Orphanet 154, MedGen C1858763, MONDO:0011400, OMIM 604145.
Early-onset myopathy with fatal cardiomyopathy (CMYO5). Also called: Salih Myopathy; CONGENITAL MYOPATHY 5 WITH CARDIOMYOPATHY. Identifiers: Orphanet 289377, MedGen C2673677, MONDO:0012714, OMIM 611705. Disease mechanism: loss of function.
Myopathy, myofibrillar, 9, with early respiratory failure (MFM9). Also called: Hereditary myopathy with early respiratory failure; Myopathy, distal, with early respiratory failure, autosomal dominant; MYOPATHY, PROXIMAL, WITH EARLY RESPIRATORY MUSCLE INVOLVEMENT; EDSTROM MYOPATHY. Identifiers: Orphanet 178464, Orphanet 34521, MedGen C1863599, MONDO:0011362, OMIM 603689.
Tibial muscular dystrophy (TMD). Also called: UDD MYOPATHY; Tibial muscular dystrophy, tardive; Udd Distal Myopathy – Tibial Muscular Dystrophy. Identifiers: Orphanet 609, MedGen C1838244, MONDO:0010870, OMIM 600334.

Allele frequency attached by ClinVar (database versions not stated): gnomAD 0.00001; gnomAD exomes 0.00002; TOPMed 0.00002; ExAC 0.00004.
gnomAD v4.1: 25 of 1,613,850 alleles (0.0015%); highest among the groups gnomAD compares: Middle Eastern, 0.082%; no homozygotes.

Submissions (8):

Labcorp Genetics (formerly Invitae), Labcorp
Classification: Likely benign for Dilated cardiomyopathy 1G; Autosomal recessive limb-girdle muscular dystrophy type 2J. Last evaluated: 2026-01-27. Review status: criteria provided, single submitter. Criteria: Invitae Variant Classification Sherloc (09022015). Collection method: clinical testing. Allele origin: germline.

CeGaT Center for Human Genetics Tuebingen
Classification: Likely benign. Last evaluated: 2023-03-01. Review status: criteria provided, single submitter. Criteria: CeGaT Center For Human Genetics Tuebingen Variant Classification Criteria Version 2. Collection method: clinical testing. Allele origin: germline. Affected: yes. Observed: 1 variant allele.
Comment: TTN: BP4, BP7

Ambry Genetics
Classification: Likely benign for Cardiovascular phenotype. Last evaluated: 2021-02-12. Review status: criteria provided, single submitter. Criteria: Ambry Variant Classification Scheme 2023. Collection method: clinical testing. Allele origin: germline.

Illumina Laboratory Services, Illumina
Classification: Likely benign for Myopathy, myofibrillar, 9, with early respiratory failure. Last evaluated: 2018-01-13. Review status: criteria provided, single submitter. Criteria: ICSL Variant Classification Criteria 13 December 2019. Collection method: clinical testing. Allele origin: germline.
Comment: This variant was observed in the ICSL laboratory as part of a predisposition screen in an ostensibly healthy population. It had not been previously curated by ICSL or reported in the Human Gene Mutation Database (HGMD: prior to June 1st, 2018), and was therefore a candidate for classification through an automated scoring system. Utilizing variant allele frequency, disease prevalence and penetrance estimates, and inheritance mode, an automated score was calculated to assess if this variant is too frequent to cause the disease. Based on the score and internal cut-off values, a variant classified as likely benign is not then subjected to further curation. The score for this variant resulted in a classification of likely benign for this disease.

Illumina Laboratory Services, Illumina
Classification: Uncertain significance for Autosomal recessive limb-girdle muscular dystrophy type 2J. Last evaluated: 2018-01-13. Review status: criteria provided, single submitter. Criteria: ICSL Variant Classification Criteria 13 December 2019. Collection method: clinical testing. Allele origin: germline.

Illumina Laboratory Services, Illumina
Classification: Likely benign for Tibial muscular dystrophy. Last evaluated: 2018-01-13. Review status: criteria provided, single submitter. Criteria: ICSL Variant Classification Criteria 13 December 2019. Collection method: clinical testing. Allele origin: germline.
Comment: the same text as in the submission from Illumina Laboratory Services, Illumina above.

Illumina Laboratory Services, Illumina
Classification: Uncertain significance for Early-onset myopathy with fatal cardiomyopathy. Last evaluated: 2018-01-13. Review status: criteria provided, single submitter. Criteria: ICSL Variant Classification Criteria 13 December 2019. Collection method: clinical testing. Allele origin: germline.

Illumina Laboratory Services, Illumina
Classification: Uncertain significance for Dilated cardiomyopathy 1G. Last evaluated: 2018-01-13. Review status: criteria provided, single submitter. Criteria: ICSL Variant Classification Criteria 13 December 2019. Collection method: clinical testing. Allele origin: germline.

NM_001267550.2(TTN):c.104979G>A (p.Thr34993=)

Genes: TTN (titin; minus strand), TTN-AS1 (TTN antisense RNA 1; plus strand). Cytogenetic location: 2q31.2.
Variant type: single nucleotide variant.
Coding change: c.104979G>A on transcript NM_001267550.2 (MANE Select); coding-DNA position 104979, G replaced by A.
Protein change: p.Thr34993=; no amino-acid change (threonine 34993 retained).
Molecular consequence: synonymous variant.
Genome position (GRCh38, 1-based): chr2:178,531,636, C>T on the plus strand (G>A on the coding strand, the complement: TTN is on the minus strand). VCF-style: chr2-178531636-C-T. GRCh37 (hg19) VCF-style: chr2-179396363-C-T.
Other names: c.100056G>A, p.Thr33352= (NM_001256850.1); c.77784G>A, p.Thr25928= (NM_003319.4); c.97275G>A, p.Thr32425= (NM_133378.4); c.78159G>A, p.Thr26053= (NM_133432.3); c.78360G>A, p.Thr26120= (NM_133437.4).
Identifiers: ClinVar variation 698345 (VCV000698345.44), dbSNP rs775644738, ClinGen allele CA1985329.